The following is an entry in ClinVar:

NM_018136.5(ASPM):c.5735A>G (p.Lys1912Arg)

Gene: ASPM (assembly factor for spindle microtubules; minus strand). Cytogenetic location: 1q31.3.
Variant type: single nucleotide variant.
Coding change: c.5735A>G on transcript NM_018136.5 (MANE Select); coding-DNA position 5735, A replaced by G.
Protein change: p.Lys1912Arg; replaces lysine 1912 with arginine.
Molecular consequence: missense variant. On other transcripts: intron variant (1).
Genome position (GRCh38, 1-based): chr1:197,103,516, T>C on the plus strand (A>G on the coding strand, the complement: ASPM is on the minus strand). VCF-style: chr1-197103516-T-C. GRCh37 (hg19) VCF-style: chr1-197072646-T-C.
Other names: c.4066-7352A>G (NM_001206846.2); short protein forms K1912R.
Identifiers: ClinVar variation 508911 (VCV000508911.1), dbSNP rs770891084, ClinGen allele CA1309697.

ClinVar aggregate classification (germline): Likely benign (1 of 4 stars; one submission).

Allele frequency attached by ClinVar (database versions not stated): gnomAD exomes 0.00001 and 0.00002; ExAC 0.00003.
gnomAD v4.1: 12 of 1,613,196 alleles (0.00074%); highest among the groups gnomAD compares: South Asian, 0.013%; no homozygotes.

Submission:

GeneDx
Classification: Likely benign. Last evaluated: 2017-04-18. Review status: criteria provided, single submitter. Criteria: GeneDx Variant Classification (06012015). Collection method: clinical testing. Allele origin: germline. Affected: yes.
Comment: This variant is considered likely benign or benign based on one or more of the following criteria: it is a conservative change, it occurs at a poorly conserved position in the protein, it is predicted to be benign by multiple in silico algorithms, and/or has population frequency not consistent with disease.